The following is an entry in ClinVar:

NM_000018.4(ACADVL):c.346G>A (p.Val116Met)

Gene: ACADVL (acyl-CoA dehydrogenase very long chain; plus strand). Cytogenetic location: 17p13.1.
Variant type: single nucleotide variant.
Coding change: c.346G>A on transcript NM_000018.4 (MANE Select); coding-DNA position 346, G replaced by A.
Protein change: p.Val116Met; replaces valine 116 with methionine.
Molecular consequence: missense variant.
Genome position (GRCh38, 1-based): chr17:7,220,927, G>A. VCF-style: chr17-7220927-G-A. GRCh37 (hg19) VCF-style: chr17-7124246-G-A.
Other names: c.280G>A, p.Val94Met (NM_001033859.3); c.415G>A, p.Val139Met (NM_001270447.2); c.118G>A, p.Val40Met (NM_001270448.2); short protein forms V116M, V94M, V139M, V40M.
Identifiers: ClinVar variation 2047234 (VCV002047234.3), dbSNP rs1189562565, ClinGen allele CA397722705.

ClinVar aggregate classification (germline): Uncertain significance (1 of 4 stars; one submission).

Conditions:
Very long chain acyl-CoA dehydrogenase deficiency (ACADVLD). Also called: VLCAD Deficiency; Very Long-Chain Acyl-Coenzyme A Dehydrogenase Deficiency. Identifiers: Orphanet 26793, MedGen C3887523, MONDO:0008723, OMIM 201475.

Allele frequency attached by ClinVar (database versions not stated): TOPMed below 0.00001; gnomAD 0.00001.

Submission:

Labcorp Genetics (formerly Invitae), Labcorp
Classification: Uncertain significance for Very long chain acyl-CoA dehydrogenase deficiency. Last evaluated: 2024-10-07. Review status: criteria provided, single submitter. Criteria: Invitae Variant Classification Sherloc (09022015). Collection method: clinical testing. Allele origin: germline.
Comment: This sequence change replaces valine, which is neutral and non-polar, with methionine, which is neutral and non-polar, at codon 116 of the ACADVL protein (p.Val116Met). This variant is present in population databases (no rsID available, gnomAD 0.0009%). This variant has not been reported in the literature in individuals affected with ACADVL-related conditions. ClinVar contains an entry for this variant (Variation ID: 2047234). Invitae Evidence Modeling of protein sequence and biophysical properties (such as structural, functional, and spatial information, amino acid conservation, physicochemical variation, residue mobility, and thermodynamic stability) indicates that this missense variant is not expected to disrupt ACADVL protein function with a negative predictive value of 80%. In summary, the available evidence is currently insufficient to determine the role of this variant in disease. Therefore, it has been classified as a Variant of Uncertain Significance.